The following is an entry in ClinVar:

ClinVar aggregate classification (germline): Benign (1 of 4 stars; one submission).

Conditions:
Autoimmune lymphoproliferative syndrome type 2A (ALPS2A). Also called: CASP10-Related Autoimmune Lymphoproliferative Syndrome; AUTOIMMUNE LYMPHOPROLIFERATIVE SYNDROME, TYPE IIA; Autoimmune lymphoproliferative syndrome type 2. Identifiers: Orphanet 3261, MedGen C1858968, MONDO:0011383, OMIM 603909.

Allele frequency attached by ClinVar (database versions not stated): gnomAD exomes 0.00001; gnomAD 0.00023 and 0.00024; TOPMed 0.00026; 1000 Genomes Project 30x 0.00047; 1000 Genomes Project 0.00060.
gnomAD v4.1: 39 of 692,830 alleles (0.0056%); highest among the groups gnomAD compares: African/African-American, 0.075%; no homozygotes.

Submission:

Illumina Laboratory Services, Illumina
Classification: Benign for Autoimmune lymphoproliferative syndrome type 2A. Last evaluated: 2018-01-13. Review status: criteria provided, single submitter. Criteria: ICSL Variant Classification Criteria 13 December 2019. Collection method: clinical testing. Allele origin: germline.
Comment: This variant was observed in the ICSL laboratory as part of a predisposition screen in an ostensibly healthy population. It had not been previously curated by ICSL or reported in the Human Gene Mutation Database (HGMD: prior to June 1st, 2018), and was therefore a candidate for classification through an automated scoring system. Utilizing variant allele frequency, disease prevalence and penetrance estimates, and inheritance mode, an automated score was calculated to assess if this variant is too frequent to cause the disease. Based on the score and internal cut-off values, a variant classified as benign is not then subjected to further curation. The score for this variant resulted in a classification of benign for this disease.

NM_032977.4(CASP10):c.*739T>C

Gene: CASP10 (caspase 10; plus strand). Cytogenetic location: 2q33.1.
Variant type: single nucleotide variant.
Coding change: c.*739T>C on transcript NM_032977.4 (MANE Select); 739 bases downstream of the stop codon, T replaced by C.
Molecular consequence: 3 prime UTR variant. On other transcripts: intron variant (2).
Genome position (GRCh38, 1-based): chr2:201,218,480, T>C. VCF-style: chr2-201218480-T-C. GRCh37 (hg19) VCF-style: chr2-202083203-T-C.
Other names: c.*739T>C (NM_001206524.2, NM_001230.5); c.*1394T>C (NM_032976.4); c.1415+8918T>C (NM_032974.5); c.1286+8918T>C (NM_001206542.2).
Identifiers: ClinVar variation 333454 (VCV000333454.5), dbSNP rs559831804, ClinGen allele CA10612350.